The following is an entry in ClinVar:

NM_000257.4(MYH7):c.495G>A (p.Met165Ile)

Gene: MYH7 (myosin heavy chain 7; minus strand). Cytogenetic location: 14q11.2.
Variant type: single nucleotide variant.
Coding change: c.495G>A on transcript NM_000257.4 (MANE Select); coding-DNA position 495, G replaced by A.
Protein change: p.Met165Ile; replaces methionine 165 with isoleucine.
Molecular consequence: missense variant.
Genome position (GRCh38, 1-based): chr14:23,432,646, C>T on the plus strand (G>A on the coding strand, the complement: MYH7 is on the minus strand). VCF-style: chr14-23432646-C-T. GRCh37 (hg19) VCF-style: chr14-23901855-C-T.
Other names: short protein forms M165I.
Identifiers: ClinVar variation 524948 (VCV000524948.10), dbSNP rs1555338758, ClinGen allele CA389052697.

ClinVar aggregate classification (germline): Pathogenic. Review status: criteria provided, single submitter (1 of 4 stars). 4 submissions from 4 submitters: Pathogenic (1). 3 of the submissions do not count toward it. Last evaluated 2025-08-21.

Conditions:
Hypertrophic cardiomyopathy. Also called: HYPERTROPHIC MYOCARDIOPATHY. Identifiers: Orphanet 217569, MedGen C0007194, MeSH D002312, MONDO:0005045, HP:0001639.

Submissions (4):

Labcorp Genetics (formerly Invitae), Labcorp
Classification: Pathogenic for Hypertrophic cardiomyopathy. Last evaluated: 2025-08-21. Review status: criteria provided, single submitter. Criteria: Invitae Variant Classification Sherloc (09022015). Collection method: clinical testing. Allele origin: germline.
Comment: This sequence change replaces methionine, which is neutral and non-polar, with isoleucine, which is neutral and non-polar, at codon 165 of the MYH7 protein (p.Met165Ile). This variant is not present in population databases (gnomAD no frequency). This missense change has been observed in individual(s) with dilated cardiomyopathy and/or noncompaction cardiomyopathy (PMID: 29447731, 36178741; internal data). In at least one individual the variant was observed to be de novo. ClinVar contains an entry for this variant (Variation ID: 524948). Invitae Evidence Modeling of protein sequence and biophysical properties (such as structural, functional, and spatial information, amino acid conservation, physicochemical variation, residue mobility, and thermodynamic stability) indicates that this missense variant is expected to disrupt MYH7 protein function with a positive predictive value of 95%. For these reasons, this variant has been classified as Pathogenic.

Clinical Genetics DNA and cytogenetics Diagnostics Lab, Erasmus MC, Erasmus Medical Center
Classification: Likely pathogenic. Review status: no assertion criteria provided. Collection method: clinical testing. Allele origin: germline. Affected: yes. Study: VKGL Data-share Consensus. Not counted in ClinVar's aggregate classification.

Genome Diagnostics Laboratory, University Medical Center Utrecht
Classification: Pathogenic. Review status: no assertion criteria provided. Collection method: clinical testing. Allele origin: germline. Affected: yes. Study: VKGL Data-share Consensus. Not counted in ClinVar's aggregate classification.

Joint Genome Diagnostic Labs from Nijmegen and Maastricht, Radboudumc and MUMC+
Classification: Likely pathogenic. Review status: no assertion criteria provided. Collection method: clinical testing. Allele origin: germline. Affected: yes. Study: VKGL Data-share Consensus. Not counted in ClinVar's aggregate classification.

Literature cited by the submitters: PubMed 29447731 (cited by Labcorp Genetics (formerly Invitae), Labcorp); PubMed 36178741 (cited by Labcorp Genetics (formerly Invitae), Labcorp).